The following continues an entry in ClinVar:

NM_004004.6(GJB2):c.71G>A (p.Trp24Ter)

Gene: GJB2. ClinVar aggregate classification (germline): Pathogenic. Pathogenic (1).

Submissions 8 to 24 of 60:

Division of Genetic & Genomic Pathology, Hong Kong Children's Hospital
Classification: Pathogenic for GJB2-related disorder. Last evaluated: 2025-07-04. Review status: criteria provided, single submitter. Criteria: ACMG Guidelines, 2015. Collection method: clinical testing. Allele origin: germline. Affected: yes. Not counted in ClinVar's aggregate classification.
Comment: GJB2 c.71G>A p.(Trp24Ter) is a nonsense variant. The variant introduces a premature stop codon into the only coding exon of GJB2, producing a protein unable to be trafficked to the cell membrane (PMID: 18941476). GJB2 c.71G>A p.(Trp24Ter) has been observed in homozygous and compound heterozygous states in many individuals with autosomal recessive nonsyndromic genetic hearing loss (PMID: 9139825, 15070423). For these reasons, GJB2 c.71G>A p.(Trp24Ter) is classified as pathogenic for autosomal recessive nonsyndromic genetic hearing loss by the ClinGen Hearing Loss Variant Curation Expert Panel (ClinVar accession: VCV000017002.122). This variant is in trans with another frameshift pathogenic variant.

ARUP Laboratories, Molecular Genetics and Genomics, ARUP Laboratories
Classification: Pathogenic. Last evaluated: 2025-04-11. Review status: criteria provided, single submitter. Criteria: ARUP Molecular Germline Variant Investigation Process 2024. Collection method: clinical testing. Allele origin: germline. Not counted in ClinVar's aggregate classification.
Comment: The GJB2 c.71G>A; p.Trp24Ter variant (rs104894396) is a common pathogenic variant reported in association with autosomal recessive hearing loss. In a large multi-center North American cohort it accounted for 1.41% of pathogenic variants identified in GJB2 (33 out of 2,341 variants) (Putcha 2007). This variant is also reported in ClinVar (Variation ID: 17002). This variant induces an early termination codon and is predicted to result in a truncated protein or mRNA subject to nonsense-mediated decay. Based on available information, this variant is considered to be pathogenic. References: Putcha et al. A multicenter study of the frequency and distribution of GJB2 and GJB6 mutations in a large North American cohort. Genet Med. 2007 Jul;9(7):413-26. PMID: 17666888.

First Genomix Gene Laboratory, Genetic Diagnostics Department
Classification: Pathogenic for Autosomal recessive nonsyndromic hearing loss 1A. Last evaluated: 2025-03-20. Review status: criteria provided, single submitter. Criteria: ACMG Guidelines, 2015. Collection method: clinical testing. Allele origin: germline. Inheritance: Autosomal recessive inheritance. Affected: no. Observed: 1 variant allele. Not counted in ClinVar's aggregate classification.

Laboratory of Dr. Barbara Vona, University Medical Center Göttingen
Classification: Pathogenic for Sensorineural hearing loss disorder. Last evaluated: 2024-12-20. Review status: criteria provided, single submitter. Criteria: ClinGen HL ACMG Specifications v1. Collection method: clinical testing. Allele origin: germline. Affected: yes. Not counted in ClinVar's aggregate classification.

Blueprint Genetics
Classification: Pathogenic for GJB2-related disorders. Last evaluated: 2024-11-26. Review status: criteria provided, single submitter. Criteria: ACMG Guidelines, 2015. Collection method: clinical testing. Allele origin: germline. Affected: yes. Observed: 5 variant alleles. Not counted in ClinVar's aggregate classification.

Dubai Health Genomic Medicine Center, Dubai Health
Classification: Pathogenic for Keratoderma. Last evaluated: 2024-10-04. Review status: criteria provided, single submitter. Criteria: ACMG Guidelines, 2015. Collection method: research. Allele origin: germline. Affected: yes. Not counted in ClinVar's aggregate classification.
Comment: PVS1,PS3,PM3,BS1

Revvity Omics, Revvity
Classification: Pathogenic. Last evaluated: 2024-08-29. Review status: criteria provided, single submitter. Criteria: ACMG Guidelines, 2015. Collection method: clinical testing. Allele origin: germline. Not counted in ClinVar's aggregate classification.

3billion
Classification: Pathogenic for Autosomal recessive nonsyndromic hearing loss 1A. Last evaluated: 2024-06-24. Review status: criteria provided, single submitter. Criteria: ACMG Guidelines, 2015. Collection method: clinical testing. Allele origin: germline. Affected: yes. Not counted in ClinVar's aggregate classification.
Comment: The variant is observed at an extremely low frequency in the gnomAD v4.0.0 dataset (total allele frequency: 0.028%). Predicted Consequence/Location: Stop-gained (nonsense): predicted to result in a loss or disruption of normal protein function through protein truncation. Multiple pathogenic variants are reported in the predicted truncated region. Functional studies provide strong evidence of the variant having a damaging effect on the gene or gene product (PMID: 18941476). The variant has been reported to be in trans with a pathogenic variant as either compound heterozygous or homozygous in at least 4 similarly affected unrelated individuals (PMID: 15070423, 18941476, 24123366, 9139825). The variant has been reported multiple times as an established pathogenic variant (ClinVar ID: VCV000017002 /PMID: 9139825 /3billion dataset). Therefore, this variant is classified as Pathogenic according to the recommendation of ACMG/AMP guideline.

Department of Human Genetics, Hannover Medical School
Classification: Pathogenic for Autosomal recessive nonsyndromic hearing loss 1A. Last evaluated: 2024-05-23. Review status: criteria provided, single submitter. Criteria: ACMG Guidelines, 2015. Collection method: clinical testing. Allele origin: germline. Affected: yes. Not counted in ClinVar's aggregate classification.

Institute of Human Genetics Munich, TUM University Hospital
Classification: Pathogenic for Autosomal recessive nonsyndromic hearing loss 1A. Last evaluated: 2024-04-16. Review status: criteria provided, single submitter. Criteria: Classification criteria August 2017. Collection method: clinical testing. Allele origin: maternal, germline. Inheritance: Autosomal recessive inheritance. Affected: yes. Observed: 2 variant alleles. Not counted in ClinVar's aggregate classification.

Fulgent Genetics
Classification: Pathogenic for Mutilating keratoderma; Autosomal dominant keratitis-ichthyosis-hearing loss syndrome; Palmoplantar keratoderma-deafness syndrome; Knuckle pads, deafness AND leukonychia syndrome; Autosomal recessive nonsyndromic hearing loss 1A; Autosomal dominant nonsyndromic hearing loss 3A. Last evaluated: 2024-04-02. Review status: criteria provided, single submitter. Criteria: ACMG Guidelines, 2015. Collection method: clinical testing. Allele origin: germline. Not counted in ClinVar's aggregate classification.

Neuberg Centre For Genomic Medicine, NCGM
Classification: Pathogenic for Autosomal recessive nonsyndromic hearing loss 1A. Last evaluated: 2024-02-01. Review status: criteria provided, single submitter. Criteria: ACMG Guidelines, 2015. Collection method: clinical testing. Allele origin: germline. Inheritance: Autosomal dominant inheritance. Not counted in ClinVar's aggregate classification.

Integrating Genomics into Medicine, Frazer Institute, University Of Queensland
Classification: Pathogenic for Autosomal recessive nonsyndromic hearing loss 1A. Last evaluated: 2023-06-02. Review status: criteria provided, single submitter. Criteria: ACMG Guidelines, 2015. Collection method: clinical testing. Allele origin: germline. Affected: yes. Not counted in ClinVar's aggregate classification.

Clinical Genetics Laboratory, Skane University Hospital Lund
Classification: Pathogenic. Last evaluated: 2022-05-27. Review status: criteria provided, single submitter. Criteria: ACMG Guidelines, 2015. Collection method: clinical testing. Allele origin: germline. Affected: yes. Not counted in ClinVar's aggregate classification.

Mendelics
Classification: Pathogenic for Mutilating keratoderma. Last evaluated: 2022-05-04. Review status: criteria provided, single submitter. Criteria: Mendelics Assertion Criteria 2019. Collection method: clinical testing. Allele origin: germline. Not counted in ClinVar's aggregate classification.

UAEU Genomics Laboratory, United Arab Emirates University
Classification: Pathogenic for Autosomal recessive nonsyndromic hearing loss 1A. Last evaluated: 2022-05-01. Review status: criteria provided, single submitter. Criteria: ACMG Guidelines, 2015. Collection method: research. Allele origin: germline. Affected: yes. Observed: 1 variant allele. Not counted in ClinVar's aggregate classification.
Comment: The stop gained NM_004004.6(GJB2):c.71G>A (p.Trp24Ter) variant is an established pathogenic variant reviewed by Clingen hearing Loss expert panel (PMID: 30311386). This variant is one of the common pathogenic variants reported in literature ((PubMed: 9139825, PubMed: 15070423, PubMed: 16088916, PubMed: 31827275, PMID: 30303587), associated with autosomal recessive hearing loss especially in Indian population (PMID: 12833397, PMID: 33614373), with consistent clinical data supporting for pathogenicity. This variant is observed in 134/30616 (0.4377%) alleles from individuals of gnomAD South Asian background in the gnomAD database, which is higher than expected for the disorder, but the evidence for the pathogenicity of this variant for nonsyndromic hearing loss has been determined to outweigh the high allele frequency for classification. The p.Trp24Ter variant in GJB2 is predicted to cause a premature stop codon in the only exon of GJB2 that leads to a truncated or absent protein in a gene in which loss-of-function is an established mechanism . This variant has been detected in patients with hearing loss in trans with pathogenic or suspected-pathogenic variants (PMID: 15070423, 24123366, 18941476, 9139825). Functional studies using a knock-in mouse model demonstrated that the p.Trp24Ter variant leads to the phenotype (PMID:18941476). For these reasons, this variant has been classified as Pathogenic.

Breda Genetics srl
Classification: Pathogenic for Autosomal recessive nonsyndromic hearing loss 1A. Last evaluated: 2021-06-29. Review status: criteria provided, single submitter. Criteria: ACMG Guidelines, 2015. Collection method: clinical testing. Allele origin: germline. Affected: yes. Observed: 1 variant allele, 1 heterozygote. Not counted in ClinVar's aggregate classification.
Comment: The variant c.71G>A (p.Trp24*) in the GJB2 gene is reported as a pathogenic for GJB2-related autosomal recessive deafness in ClinVar (Variation ID: 17002). This mutation has been described in multiple papers and is considered common in the Pakistani and Indian population (Richard et al., 2019, PMID: 30303587; Shaik et al., 2017, PMID: 29086887; Santos et al., 2005, PMID: 15617550). It creates a premature stop codon at amino acid position Trp24, which is likely to result in a truncated protein or protein loss due to nonsense-mediated messenger decay (NMD). The variant is reported with an estimated allelic frequency of 0.0006 in gnomAD exomes and 0.0000319 in gnomAD genomes, with one homozygous individual reported.